The following is an entry in ClinVar:

NM_001126111.3(OSGIN2):c.1296G>A (p.Ser432=)

Gene: OSGIN2 (oxidative stress induced growth inhibitor family member 2; plus strand). Cytogenetic location: 8q21.3.
Variant type: single nucleotide variant.
Coding change: c.1296G>A on transcript NM_001126111.3 (MANE Select); coding-DNA position 1296, G replaced by A.
Protein change: p.Ser432=; no amino-acid change (serine 432 retained).
Molecular consequence: synonymous variant.
Genome position (GRCh38, 1-based): chr8:89,925,178, G>A. VCF-style: chr8-89925178-G-A. GRCh37 (hg19) VCF-style: chr8-90937406-G-A.
Other names: c.1164G>A, p.Ser388= (NM_004337.2).
Identifiers: ClinVar variation 4534326 (VCV004534326.6).

ClinVar aggregate classification (germline): Likely benign (1 of 4 stars; one submission).

gnomAD v4.1: 32 of 1,613,870 alleles (0.002%); highest among the groups gnomAD compares: East Asian, 0.0045%; no homozygotes.

Submission:

CeGaT Center for Human Genetics Tuebingen
Classification: Likely benign. Last evaluated: 2025-11-01. Review status: criteria provided, single submitter. Criteria: CeGaT Center For Human Genetics Tuebingen Variant Classification Criteria Version 2. Collection method: clinical testing. Allele origin: germline. Affected: yes. Observed: 1 variant allele.
Comment: OSGIN2: BP4, BP7